The following is an entry in ClinVar:

NM_007373.4(SHOC2):c.907T>G (p.Leu303Val)

Gene: SHOC2 (SHOC2 leucine rich repeat scaffold protein; plus strand). Cytogenetic location: 10q25.2.
Variant type: single nucleotide variant.
Coding change: c.907T>G on transcript NM_007373.4 (MANE Select); coding-DNA position 907, T replaced by G.
Protein change: p.Leu303Val; replaces leucine 303 with valine.
Molecular consequence: missense variant. On other transcripts: non-coding transcript variant (1).
Genome position (GRCh38, 1-based): chr10:111,000,480, T>G. VCF-style: chr10-111000480-T-G. GRCh37 (hg19) VCF-style: chr10-112760238-T-G.
Other names: c.769T>G, p.Leu257Val (NM_001269039.3); c.907T>G, p.Leu303Val (NM_001324336.2, NM_001324337.2); short protein forms L257V, L303V.
Identifiers: ClinVar variation 1765713 (VCV001765713.2), dbSNP rs926554204, ClinGen allele CA213913713.
Genomic context (GRCh38, chr10:111,000,480, plus strand): 5'-CTGTCCAGTTTAAGTCGTCTTGGTCTGAGATATAACAGACTGTCAGCAATACCCAGATCA[T>G]TAGCAAAATGCAGTGCACTTGAAGAATTAAATTTAGAGAACAATAACATTTCTACTTTAC-3'
Protein context (NP_031399.2, residues 293-313): YNRLSAIPRS[Leu303Val]AKCSALEELN

ClinVar aggregate classification (germline): Uncertain significance (1 of 4 stars; one submission).

Conditions:
Cardiovascular phenotype. Identifiers: MedGen CN230736.

Allele frequency attached by ClinVar (database versions not stated): TOPMed below 0.00001.

Submission:

Ambry Genetics
Classification: Uncertain significance for Cardiovascular phenotype. Last evaluated: 2022-10-02. Review status: criteria provided, single submitter. Criteria: Ambry Variant Classification Scheme 2023. Collection method: clinical testing. Allele origin: germline.
Comment: The p.L303V variant (also known as c.907T>G), located in coding exon 3 of the SHOC2 gene, results from a T to G substitution at nucleotide position 907. The leucine at codon 303 is replaced by valine, an amino acid with highly similar properties. This amino acid position is conserved. In addition, the in silico prediction for this alteration is inconclusive. Since supporting evidence is limited at this time, the clinical significance of this alteration remains unclear.